The following is an entry in ClinVar:

NM_002470.4(MYH3):c.872T>G (p.Leu291Arg)

Gene: MYH3 (myosin heavy chain 3; minus strand). Cytogenetic location: 17p13.1.
Variant type: single nucleotide variant.
Coding change: c.872T>G on transcript NM_002470.4 (MANE Select); coding-DNA position 872, T replaced by G.
Protein change: p.Leu291Arg; replaces leucine 291 with arginine.
Molecular consequence: missense variant.
Genome position (GRCh38, 1-based): chr17:10,647,208, A>C on the plus strand (T>G on the coding strand, the complement: MYH3 is on the minus strand). VCF-style: chr17-10647208-A-C. GRCh37 (hg19) VCF-style: chr17-10550525-A-C.
Other names: short protein forms L291R.
Identifiers: ClinVar variation 2072016 (VCV002072016.4), dbSNP rs2508630908, ClinGen allele CA398177728.
Genomic context (GRCh38, chr17:10,647,208, plus strand): 5'-CCTAAAAGACCAGCCCCACTGGTGACTTCCTCACCTATGAGCTCAGGCTTCTTGTTAGAA[A>C]GAATCTGGTAGAAGATGTGGTAGCTTCTTTCAGCCTTCAGCTGGAAAGTGACTCTTGATT-3'
Protein context (NP_002461.2, residues 281-301): ERSYHIFYQI[Leu291Arg]SNKKPELIEL

ClinVar aggregate classification (germline): Uncertain significance (1 of 4 stars; one submission).

Submission:

Labcorp Genetics (formerly Invitae), Labcorp
Classification: Uncertain significance. Last evaluated: 2022-12-06. Review status: criteria provided, single submitter. Criteria: Invitae Variant Classification Sherloc (09022015). Collection method: clinical testing. Allele origin: germline.
Comment: This sequence change replaces leucine, which is neutral and non-polar, with arginine, which is basic and polar, at codon 291 of the MYH3 protein (p.Leu291Arg). This variant is not present in population databases (gnomAD no frequency). This variant has not been reported in the literature in individuals affected with MYH3-related conditions. Advanced modeling of protein sequence and biophysical properties (such as structural, functional, and spatial information, amino acid conservation, physicochemical variation, residue mobility, and thermodynamic stability) has been performed at Invitae for this missense variant, however the output from this modeling did not meet the statistical confidence thresholds required to predict the impact of this variant on MYH3 protein function. In summary, the available evidence is currently insufficient to determine the role of this variant in disease. Therefore, it has been classified as a Variant of Uncertain Significance.